The following is an entry in ClinVar:

NM_001164508.2(NEB):c.20892T>A (p.Asp6964Glu)

Gene: NEB (nebulin; minus strand). Cytogenetic location: 2q23.3.
Variant type: single nucleotide variant.
Coding change: c.20892T>A on transcript NM_001164508.2 (MANE Select); coding-DNA position 20892, T replaced by A.
Protein change: p.Asp6964Glu; replaces aspartic acid 6964 with glutamic acid.
Molecular consequence: missense variant.
Genome position (GRCh38, 1-based): chr2:151,540,344, A>T on the plus strand (T>A on the coding strand, the complement: NEB is on the minus strand). VCF-style: chr2-151540344-A-T. GRCh37 (hg19) VCF-style: chr2-152396858-A-T.
Other names: c.20892T>A, p.Asp6964Glu (NM_001164507.2, NM_001271208.2); c.15789T>A, p.Asp5263Glu (NM_004543.5); c.20892T>A (NM_001271208.1); short protein forms D5263E, D6964E.
Identifiers: ClinVar variation 1023256 (VCV001023256.7), dbSNP rs1553694845, ClinGen allele CA348776808.
Genomic context (GRCh38, chr2:151,540,344, plus strand): 5'-TAGGTACTTCAACCTCAGCTCTCCCCATCACAACAGAAGAAAAAAGGAAGGGATGCATAC[A>T]TCACTGGCATTCCAGTAAGCCCTCTTGGCTCTGATGAGGATTGGCGTATCTGGAACCGGA-3'
Protein context (NP_001157980.2, residues 6954-6974): RAKRAYWNAS[Asp6964Glu]LRYKETFQKT

ClinVar aggregate classification (germline): Uncertain significance. Review status: criteria provided, single submitter (1 of 4 stars). 2 submissions from 2 submitters: Uncertain significance (1). 1 of the submissions does not count toward it. Last evaluated 2022-02-03.

Conditions:
Nemaline myopathy 2 (NEM2). Also called: Nemaline myopathy 2, autosomal recessive. Identifiers: MedGen C1850569, MONDO:0009725, OMIM 256030.

Submissions (2):

Labcorp Genetics (formerly Invitae), Labcorp
Classification: Uncertain significance for Nemaline myopathy 2. Last evaluated: 2022-02-03. Review status: criteria provided, single submitter. Criteria: Invitae Variant Classification Sherloc (09022015). Collection method: clinical testing. Allele origin: germline.
Comment: This sequence change replaces aspartic acid, which is acidic and polar, with glutamic acid, which is acidic and polar, at codon 6964 of the NEB protein (p.Asp6964Glu). This variant is not present in population databases (gnomAD no frequency). This variant has not been reported in the literature in individuals affected with NEB-related conditions. ClinVar contains an entry for this variant (Variation ID: 1023256). Algorithms developed to predict the effect of missense changes on protein structure and function are either unavailable or do not agree on the potential impact of this missense change (SIFT: "Deleterious"; PolyPhen-2: "Not Available"; Align-GVGD: "Class C0"). In summary, the available evidence is currently insufficient to determine the role of this variant in disease. Therefore, it has been classified as a Variant of Uncertain Significance.

Natera, Inc.
Classification: Uncertain significance for Nemaline myopathy type 2. Last evaluated: 2025-01-17. Review status: no assertion criteria provided. Collection method: clinical testing. Allele origin: germline. Not counted in ClinVar's aggregate classification.